The following is an entry in ClinVar:

ClinVar aggregate classification (germline): Pathogenic (1 of 4 stars; one submission).

Conditions:
Hereditary breast ovarian cancer syndrome. Also called: Hereditary breast and/or ovarian cancer syndrome; BRCA1- and BRCA2-Associated Hereditary Breast and Ovarian Cancer; Breast and ovarian cancer; Hereditary breast and ovarian cancer; Hereditary breast and ovarian cancer syndrome (HBOC); Hereditary breast and ovarian cancer syndrome. Identifiers: Orphanet 145, MedGen C0677776, MeSH D061325, MONDO:0003582. Disease mechanism: loss of function.

Submission:

Labcorp Genetics (formerly Invitae), Labcorp
Classification: Pathogenic for Hereditary breast ovarian cancer syndrome. Last evaluated: 2022-10-11. Review status: criteria provided, single submitter. Criteria: Invitae Variant Classification Sherloc (09022015). Collection method: clinical testing. Allele origin: germline.
Comment: For these reasons, this variant has been classified as Pathogenic. This variant has not been reported in the literature in individuals affected with BRCA2-related conditions. This variant is not present in population databases (gnomAD no frequency). This sequence change creates a premature translational stop signal (p.Val2759Metfs*14) in the BRCA2 gene. It is expected to result in an absent or disrupted protein product. Loss-of-function variants in BRCA2 are known to be pathogenic (PMID: 20104584).

Literature cited by the submitters: PubMed 20104584.

NM_000059.4(BRCA2):c.8275_8287del (p.Val2759fs)

Gene: BRCA2 (BRCA2 DNA repair associated; plus strand). Cytogenetic location: 13q13.1.
Variant type: Deletion.
Coding change: c.8275_8287del on transcript NM_000059.4 (MANE Select); coding-DNA positions 8275 to 8287, 13 bases deleted (GTGGGCTCTCCTG).
Protein change: p.Val2759fs; shifts the reading frame from valine 2759.
Molecular consequence: frameshift variant.
Genome position (GRCh38, 1-based): chr13:32,363,477-32,363,489, GTGGGCTCTCCTG deleted; deleting any 13 consecutive bases within chr13:32,363,474-32,363,489 gives the same sequence; the c. name uses the placement nearest the transcript's 3' end. VCF-style (leftmost placement, unchanged base first): chr13-32363473-ACTGGTGGGCTCTC-A. GRCh37 (hg19) VCF-style: chr13-32937610-ACTGGTGGGCTCTC-A.
Other names: c.8179_8191delGTGGGCTCTCCTG, p.Val2727Metfs (NM_001406719.1); c.8275_8287delGTGGGCTCTCCTG, p.Val2759Metfs (NM_001406720.1); c.3343_3355delGTGGGCTCTCCTG, p.Val1115Metfs (NM_001406721.1); c.1858_1870delGTGGGCTCTCCTG, p.Val620Metfs (NM_001406722.1); short protein forms V2759fs.
Identifiers: ClinVar variation 2035165 (VCV002035165.4), dbSNP rs2548546912, ClinGen allele CA2580087506.